The following is an entry in ClinVar:

ClinVar aggregate classification (germline): Likely pathogenic (1 of 4 stars; one submission).

Conditions:
Bloom syndrome (BLM). Also called: Bloom-Torre-Machacek syndrome. Identifiers: Orphanet 125, MedGen C0005859, MONDO:0008876, OMIM 210900.

Submission:

Natera, Inc.
Classification: Likely pathogenic for Bloom syndrome. Last evaluated: 2025-02-07. Review status: criteria provided, single submitter. Criteria: Natera Variant Classification Schema (03/2026). Collection method: clinical testing. Allele origin: germline.
Comment: The c.656del variant in BLM is a frameshift variant predicted to shift the reading frame beginning at codon 219 and leads to a stop codon 2 codons downstream. This variant is expected to result in nonsense mediated decay, truncation, or a dysfunctional protein product. This variant is rare in the general population with a frequency below the threshold expected for the associated phenotype(s). Given the available evidence, this variant is classified as Likely Pathogenic.

NM_000057.4(BLM):c.656del (p.Asp219fs)

Gene: BLM (BLM RecQ like helicase; plus strand). Cytogenetic location: 15q26.1.
Variant type: Deletion.
Coding change: c.656del on transcript NM_000057.4 (MANE Select); coding-DNA position 656, one base deleted (A; older notation c.656delA).
Protein change: p.Asp219fs; shifts the reading frame from aspartic acid 219.
Molecular consequence: frameshift variant. On other transcripts: 5 prime UTR variant (1).
Genome position (GRCh38, 1-based): chr15:90,749,924, A deleted. VCF-style (leftmost placement, unchanged base first): chr15-90749923-GA-G. GRCh37 (hg19) VCF-style: chr15-91293153-GA-G.
Other names: c.656del, p.Asp219fs (NM_001287246.2, NM_001287247.2); c.-636del (NM_001287248.2); short protein forms D219fs.
Identifiers: ClinVar variation 4063894 (VCV004063894.2).